The following is an entry in ClinVar:

ClinVar aggregate classification (germline): Uncertain significance (1 of 4 stars; one submission).

Allele frequency attached by ClinVar (database versions not stated): TOPMed 0.00001; ExAC 0.00002; gnomAD 0.00002.
gnomAD v4.1: 30 of 1,613,766 alleles (0.0019%); highest among the groups gnomAD compares: Middle Eastern, 0.016%; no homozygotes.

Submission:

Labcorp Genetics (formerly Invitae), Labcorp
Classification: Uncertain significance. Last evaluated: 2022-03-04. Review status: criteria provided, single submitter. Criteria: Invitae Variant Classification Sherloc (09022015). Collection method: clinical testing. Allele origin: germline.
Comment: This sequence change replaces valine, which is neutral and non-polar, with methionine, which is neutral and non-polar, at codon 103 of the CDH23 protein (p.Val103Met). This variant is present in population databases (rs746084921, gnomAD 0.01%). This variant has not been reported in the literature in individuals affected with CDH23-related conditions. Algorithms developed to predict the effect of missense changes on protein structure and function are either unavailable or do not agree on the potential impact of this missense change (SIFT: "Deleterious"; PolyPhen-2: "Not Available"; Align-GVGD: "Class C0"). In summary, the available evidence is currently insufficient to determine the role of this variant in disease. Therefore, it has been classified as a Variant of Uncertain Significance.

NM_022124.6(CDH23):c.307G>A (p.Val103Met)

Genes: CDH23 (cadherin related 23; plus strand), CDH23-AS1 (CDH23 antisense RNA 1; minus strand). Cytogenetic location: 10q22.1.
Variant type: single nucleotide variant.
Coding change: c.307G>A on transcript NM_022124.6 (MANE Select); coding-DNA position 307, G replaced by A.
Protein change: p.Val103Met; replaces valine 103 with methionine.
Molecular consequence: missense variant.
Genome position (GRCh38, 1-based): chr10:71,510,972, G>A. VCF-style: chr10-71510972-G-A. GRCh37 (hg19) VCF-style: chr10-73270729-G-A.
Other names: c.307G>A, p.Val103Met (NM_001171930.2, NM_001171931.2, NM_001171932.2 and 1 more transcripts); short protein forms V103M.
Identifiers: ClinVar variation 2153630 (VCV002153630.1), dbSNP rs746084921, ClinGen allele CA5543372.
Genomic context (GRCh38, chr10:71,510,972, plus strand): 5'-CACCGCCTAACTGCCCCCCTCCCTCTCTCACTTTTCTTTCAGACCAAGTCAGAGTTCACC[G>A]TGGAGTTCTCTGTCAGCGACCACCAGGGGGTGAGTGTTCCCTGGGGCCCTGGAGGCATGT-3'
Protein context (NP_071407.4, residues 93-113): LDRETKSEFT[Val103Met]EFSVSDHQGV